The following is an entry in ClinVar:

ClinVar aggregate classification (germline): Pathogenic. Review status: criteria provided, multiple submitters, no conflicts (2 of 4 stars). 2 submissions from 2 submitters: Pathogenic (2). Last evaluated 2024-01-19.

Conditions:
PRPH2-related disorder. Also called: PRPH2-related condition; PRPH2-related disorders. Identifiers: MedGen CN239395.
Retinitis pigmentosa (RP). Identifiers: Orphanet 791, MedGen C0035334, MeSH D012174, MONDO:0019200, OMIM 268000. Inheritance: Autosomal dominant, autosomal recessive and X linked inheritance.

Submissions (2):

Labcorp Genetics (formerly Invitae), Labcorp
Classification: Pathogenic for PRPH2-related disorder. Last evaluated: 2024-01-19. Review status: criteria provided, single submitter. Criteria: Invitae Variant Classification Sherloc (09022015). Collection method: clinical testing. Allele origin: germline.
Comment: This sequence change creates a premature translational stop signal (p.Lys154Metfs*103) in the PRPH2 gene. It is expected to result in an absent or disrupted protein product. Loss-of-function variants in PRPH2 are known to be pathogenic (PMID: 8111389, 8485575, 8485576, 8675410, 16916875, 17504850, 22863181, 25675413, 26061163, 27365499, 29555955, 33546218). Information on the frequency of this variant in the gnomAD database is not available, as this variant may be reported differently in the database. This variant has not been reported in the literature in individuals affected with PRPH2-related conditions. For these reasons, this variant has been classified as Pathogenic.

Molecular Genetics Laboratory, Institute for Ophthalmic Research
Classification: Pathogenic for Retinitis pigmentosa. Last evaluated: 2020-01-09. Review status: criteria provided, single submitter. Criteria: ACMG Guidelines, 2015. Collection method: research. Allele origin: germline. Affected: yes.

Literature cited by the submitters: PubMed 8111389 (cited by Labcorp Genetics (formerly Invitae), Labcorp); PubMed 8485575 (cited by Labcorp Genetics (formerly Invitae), Labcorp); PubMed 8485576 (cited by Labcorp Genetics (formerly Invitae), Labcorp); PubMed 8675410 (cited by Labcorp Genetics (formerly Invitae), Labcorp); PubMed 16916875 (cited by Labcorp Genetics (formerly Invitae), Labcorp); PubMed 17504850 (cited by Labcorp Genetics (formerly Invitae), Labcorp); PubMed 22863181 (cited by Labcorp Genetics (formerly Invitae), Labcorp); PubMed 25675413 (cited by Labcorp Genetics (formerly Invitae), Labcorp); PubMed 26061163 (cited by Labcorp Genetics (formerly Invitae), Labcorp); PubMed 27365499 (cited by Labcorp Genetics (formerly Invitae), Labcorp); PubMed 29555955 (cited by Labcorp Genetics (formerly Invitae), Labcorp); PubMed 33546218 (cited by Labcorp Genetics (formerly Invitae), Labcorp).

NM_000322.5(PRPH2):c.461_464delinsTGGTCT (p.Lys154fs)

Gene: PRPH2 (peripherin 2; minus strand). Cytogenetic location: 6p21.1.
Variant type: Indel.
Coding change: c.461_464delinsTGGTCT on transcript NM_000322.5 (MANE Select); coding-DNA positions 461 to 464, AGAC replaced by TGGTCT.
Protein change: p.Lys154fs; shifts the reading frame from lysine 154.
Molecular consequence: frameshift variant.
Genome position (GRCh38, 1-based): chr6:42,721,871-42,721,874, GTCT replaced by AGACCA on the plus strand (AGAC replaced by TGGTCT on the coding strand, the reverse complement: PRPH2 is on the minus strand). VCF-style: chr6-42721871-GTCT-AGACCA. GRCh37 (hg19) VCF-style: chr6-42689609-GTCT-AGACCA.
Other names: short protein forms K154fs.
Identifiers: ClinVar variation 813078 (VCV000813078.3), dbSNP rs1761908297, ClinGen allele CA1139659525.